The following is an entry in ClinVar:

NM_000138.5(FBN1):c.6857G>A (p.Gly2286Glu)

Gene: FBN1 (fibrillin 1; minus strand). Cytogenetic location: 15q21.1.
Variant type: single nucleotide variant.
Coding change: c.6857G>A on transcript NM_000138.5 (MANE Select); coding-DNA position 6857, G replaced by A.
Protein change: p.Gly2286Glu; replaces glycine 2286 with glutamic acid.
Molecular consequence: missense variant.
Genome position (GRCh38, 1-based): chr15:48,430,685, C>T on the plus strand (G>A on the coding strand, the complement: FBN1 is on the minus strand). VCF-style: chr15-48430685-C-T. GRCh37 (hg19) VCF-style: chr15-48722882-C-T.
Other names: short protein forms G2286E.
Identifiers: ClinVar variation 921346 (VCV000921346.12), dbSNP rs1455580241, ClinGen allele CA392331962.
Genomic context (GRCh38, chr15:48,430,685, plus strand): 5'-GTCACTTCTGATGCACTCAAAGCTCCTTCCACAGGGATCCTCTTACCTACACAGCCTTCT[C>T]CATCAGGTCTCCGCTGATACCCGGGTCCACAGATGCACATATATGTGCCAATGAGGTTCT-3'
Protein context (NP_000129.3, residues 2276-2296): CGPGYQRRPD[Gly2286Glu]EGCVDENECQ

ClinVar aggregate classification (germline): Uncertain significance. Review status: criteria provided, multiple submitters, no conflicts (2 of 4 stars). 5 submissions from 5 submitters: Uncertain significance (5). Last evaluated 2026-06-18.

Conditions:
Familial thoracic aortic aneurysm and aortic dissection (TAAD). Also called: Thoracic aortic aneurysms and dissections. Identifiers: Orphanet 91387, MedGen C4707243, MONDO:0019625.
Marfan syndrome (MFS). Also called: MARFAN SYNDROME, TYPE I; Marfan syndrome type 1; Marfan's syndrome; Marfan syndrome, classic; FBN1-Related Marfan Syndrome. Identifiers: Orphanet 284963, Orphanet 558, MedGen C0024796, MONDO:0007947, OMIM 154700.

Allele frequency attached by ClinVar (database versions not stated): TOPMed 0.00001.

Submissions (5):

Ambry Genetics
Classification: Uncertain significance for Familial thoracic aortic aneurysm and aortic dissection. Last evaluated: 2026-06-18. Review status: criteria provided, single submitter. Criteria: Ambry Variant Classification Scheme 2023. Collection method: clinical testing. Allele origin: germline.
Comment: The p.G2286E variant (also known as c.6857G>A), located in coding exon 55 of the FBN1 gene, results from a G to A substitution at nucleotide position 6857. The glycine at codon 2286 is replaced by glutamic acid, an amino acid with similar properties. This amino acid position is conserved. In addition, this alteration is predicted to be deleterious by in silico analysis. Based on the available evidence, the clinical significance of this variant remains unclear.

GeneDx
Classification: Uncertain significance. Last evaluated: 2025-04-02. Review status: criteria provided, single submitter. Criteria: GeneDx Variant Classification Process June 2021. Collection method: clinical testing. Allele origin: germline. Affected: yes.
Comment: Not observed at significant frequency in large population cohorts (gnomAD); In silico analysis supports that this missense variant has a deleterious effect on protein structure/function; Has not been previously published as pathogenic or benign to our knowledge; Does not affect a cysteine or calcium-binding residue within an EGF-like domain or a TGF-binding protein domain of the FBN1 gene; cysteine substitutions in the EGF-like domains represent the majority of pathogenic missense changes associated with FBN1-related disorders (PMID: 12938084); This variant is associated with the following publications: (PMID: 12938084)

Labcorp Genetics (formerly Invitae), Labcorp
Classification: Uncertain significance for Marfan syndrome; Familial thoracic aortic aneurysm and aortic dissection. Last evaluated: 2024-10-16. Review status: criteria provided, single submitter. Criteria: Invitae Variant Classification Sherloc (09022015). Collection method: clinical testing. Allele origin: germline.
Comment: This sequence change replaces glycine, which is neutral and non-polar, with glutamic acid, which is acidic and polar, at codon 2286 of the FBN1 protein (p.Gly2286Glu). This variant is not present in population databases (gnomAD no frequency). This variant has not been reported in the literature in individuals affected with FBN1-related conditions. ClinVar contains an entry for this variant (Variation ID: 921346). Invitae Evidence Modeling of protein sequence and biophysical properties (such as structural, functional, and spatial information, amino acid conservation, physicochemical variation, residue mobility, and thermodynamic stability) indicates that this missense variant is expected to disrupt FBN1 protein function with a positive predictive value of 95%. In summary, the available evidence is currently insufficient to determine the role of this variant in disease. Therefore, it has been classified as a Variant of Uncertain Significance.

Color Diagnostics, LLC DBA Color Health
Classification: Uncertain significance for Familial thoracic aortic aneurysm and aortic dissection. Last evaluated: 2024-03-06. Review status: criteria provided, single submitter. Criteria: ACMG Guidelines, 2015. Collection method: clinical testing. Allele origin: germline.
Comment: This missense variant replaces glycine with glutamic acid at codon 2286 of the FBN1 protein. Computational prediction suggests that this variant may have deleterious impact on protein structure and function (internally defined REVEL score threshold >= 0.7, PMID: 27666373). To our knowledge, functional studies have not been reported for this variant. This variant has not been reported in individuals affected with cardiovascular disorders in the literature. This variant has not been identified in the general population by the Genome Aggregation Database (gnomAD). The available evidence is insufficient to determine the role of this variant in disease conclusively. Therefore, this variant is classified as a Variant of Uncertain Significance.

All of Us Research Program, National Institutes of Health
Classification: Uncertain significance for Marfan syndrome. Last evaluated: 2023-04-27. Review status: criteria provided, single submitter. Criteria: ACMG Guidelines, 2015. Collection method: clinical testing. Allele origin: germline. Inheritance: Autosomal dominant inheritance. Observed: 1 variant allele, 1 heterozygote.
Comment: This missense variant replaces glycine with glutamic acid at codon 2286 of the FBN1 protein. Computational prediction suggests that this variant may have deleterious impact on protein structure and function (internally defined REVEL score threshold >= 0.7, PMID: 27666373). To our knowledge, functional studies have not been reported for this variant. This variant has not been reported in individuals affected with cardiovascular disorders in the literature. This variant has not been identified in the general population by the Genome Aggregation Database (gnomAD). The available evidence is insufficient to determine the role of this variant in disease conclusively. Therefore, this variant is classified as a Variant of Uncertain Significance.

This study involves interpretation of variants in research participants for the purpose of population health screening. Participant phenotype was not available at the time of variant classification. Additional details can be found in publication PMID: 35346344, PMCID: PMC8962531